The following is an entry in ClinVar:

ClinVar aggregate classification (germline): Uncertain significance (1 of 4 stars; one submission).

Conditions:
Hypertrophic cardiomyopathy. Also called: HYPERTROPHIC MYOCARDIOPATHY. Identifiers: Orphanet 217569, MedGen C0007194, MeSH D002312, MONDO:0005045, HP:0001639.

Submission:

Labcorp Genetics (formerly Invitae), Labcorp
Classification: Uncertain significance for Hypertrophic cardiomyopathy. Last evaluated: 2024-08-06. Review status: criteria provided, single submitter. Criteria: Invitae Variant Classification Sherloc (09022015). Collection method: clinical testing. Allele origin: germline.
Comment: This sequence change replaces glycine, which is neutral and non-polar, with serine, which is neutral and polar, at codon 316 of the JPH2 protein (p.Gly316Ser). This variant is not present in population databases (gnomAD no frequency). This variant has not been reported in the literature in individuals affected with JPH2-related conditions. ClinVar contains an entry for this variant (Variation ID: 1434206). An algorithm developed to predict the effect of missense changes on protein structure and function (PolyPhen-2) suggests that this variant is likely to be disruptive. In summary, the available evidence is currently insufficient to determine the role of this variant in disease. Therefore, it has been classified as a Variant of Uncertain Significance.

NM_020433.5(JPH2):c.946G>A (p.Gly316Ser)

Gene: JPH2 (junctophilin 2; minus strand). Cytogenetic location: 20q13.12.
Variant type: single nucleotide variant.
Coding change: c.946G>A on transcript NM_020433.5 (MANE Select); coding-DNA position 946, G replaced by A.
Protein change: p.Gly316Ser; replaces glycine 316 with serine.
Molecular consequence: missense variant.
Genome position (GRCh38, 1-based): chr20:44,159,841, C>T on the plus strand (G>A on the coding strand, the complement: JPH2 is on the minus strand). VCF-style: chr20-44159841-C-T. GRCh37 (hg19) VCF-style: chr20-42788481-C-T.
Other names: short protein forms G316S.
Identifiers: ClinVar variation 1434206 (VCV001434206.8), dbSNP rs2145878846, ClinGen allele CA409093330.